The following is an entry in ClinVar:

ClinVar aggregate classification (germline): Uncertain significance (1 of 4 stars; one submission).

Conditions:
Cornelia de Lange syndrome 4 (CDLS4). Also called: RAD21-Related Cornelia de Lange Syndrome; CORNELIA DE LANGE SYNDROME 4 WITH OR WITHOUT MIDLINE BRAIN DEFECTS. Identifiers: Orphanet 199, MedGen C3553517, MONDO:0013864, OMIM 614701.

Allele frequency attached by ClinVar (database versions not stated): gnomAD exomes below 0.00001.

Submission:

Labcorp Genetics (formerly Invitae), Labcorp
Classification: Uncertain significance for Cornelia de Lange syndrome 4. Last evaluated: 2022-09-01. Review status: criteria provided, single submitter. Criteria: Invitae Variant Classification Sherloc (09022015). Collection method: clinical testing. Allele origin: germline.
Comment: In summary, the available evidence is currently insufficient to determine the role of this variant in disease. Therefore, it has been classified as a Variant of Uncertain Significance. Algorithms developed to predict the effect of missense changes on protein structure and function (SIFT, PolyPhen-2, Align-GVGD) all suggest that this variant is likely to be tolerated. This sequence change replaces serine, which is neutral and polar, with proline, which is neutral and non-polar, at codon 374 of the RAD21 protein (p.Ser374Pro). This variant is not present in population databases (gnomAD no frequency). This variant has not been reported in the literature in individuals affected with RAD21-related conditions.

NM_006265.3(RAD21):c.1120T>C (p.Ser374Pro)

Gene: RAD21 (RAD21 cohesin complex component; minus strand). Cytogenetic location: 8q24.11.
Variant type: single nucleotide variant.
Coding change: c.1120T>C on transcript NM_006265.3 (MANE Select); coding-DNA position 1120, T replaced by C.
Protein change: p.Ser374Pro; replaces serine 374 with proline.
Molecular consequence: missense variant.
Genome position (GRCh38, 1-based): chr8:116,854,286, A>G on the plus strand (T>C on the coding strand, the complement: RAD21 is on the minus strand). VCF-style: chr8-116854286-A-G. GRCh37 (hg19) VCF-style: chr8-117866525-A-G.
Other names: short protein forms S374P.
Identifiers: ClinVar variation 2048083 (VCV002048083.4), dbSNP rs2537292854, ClinGen allele CA372000765.